The following is an entry in ClinVar:

NM_000435.3(NOTCH3):c.3696C>G (p.Cys1232Trp)

Gene: NOTCH3 (notch receptor 3; minus strand). Cytogenetic location: 19p13.12.
Variant type: single nucleotide variant.
Coding change: c.3696C>G on transcript NM_000435.3 (MANE Select); coding-DNA position 3696, C replaced by G.
Protein change: p.Cys1232Trp; replaces cysteine 1232 with tryptophan.
Molecular consequence: missense variant.
Genome position (GRCh38, 1-based): chr19:15,179,047, G>C on the plus strand (C>G on the coding strand, the complement: NOTCH3 is on the minus strand). VCF-style: chr19-15179047-G-C. GRCh37 (hg19) VCF-style: chr19-15289858-G-C.
Other names: short protein forms C1232W.
Identifiers: ClinVar variation 1807357 (VCV001807357.2), dbSNP rs1376921184, ClinGen allele CA404508683.
Genomic context (GRCh38, chr19:15,179,047, plus strand): 5'-AGGCGGGGTCCCAGGCCAGCCCCTTCGCCAACGCTTACCTGAGAAGCCAGCATGACAAAG[G>C]CAACGGAAACCTCCGCCTGGGTCCTGCAGGCAGTCCCGGGTGTGTGCCGCGTGGCAGGCA-3'
Protein context (NP_000426.2, residues 1222-1242): CLQDPGGGFR[Cys1232Trp]LCHAGFSGPR

ClinVar aggregate classification (germline): Conflicting classifications of pathogenicity. Review status: criteria provided, conflicting classifications (1 of 4 stars). 2 submissions from 2 submitters: Pathogenic (1); Uncertain significance (1). Last evaluated 2026-01-16.

Allele frequency attached by ClinVar (database versions not stated): gnomAD 0.00001.

Submissions (2):

Women's Health and Genetics/Laboratory Corporation of America, LabCorp
Classification: Uncertain significance. Last evaluated: 2026-01-16. Review status: criteria provided, single submitter. Criteria: LabCorp Variant Classification Summary - May 2015. Collection method: clinical testing. Allele origin: germline.
Comment: Variant summary: NOTCH3 c.3696C>G (p.Cys1232Trp) results in a non-conservative amino acid change abolishing a cysteine residue in the EGF-like repeat (EGFr) region (IPR000742), within the EGFr-31 domain (amino acids 1205-1244; UniProt) of the encoded protein sequence. Gain/loss of cysteine residues in the EGF-like repeat domains have been shown to be typical mutations of CADASIL and NOTCH3-related disorders (PMIDs 32457593, 39191170), however variant position strongly affects risk-association of Cys variants, and this variant is located in a domain that was classified as a low risk region based on variant frequencies of large CADASIL and population cohorts (Hack_2022). Algorithms developed to predict the effect of missense changes on protein structure and function all suggest that this variant is likely to be disruptive. The variant allele was found at a frequency of 1.2e-06 in 1607120 control chromosomes (gnomAD). The available data on variant occurrences in the general population are insufficient to allow any conclusion about variant significance. The variant, c.3696C>G, has been reported in an individual from population controls (Hack_2022) and in a clinical cohort without phenotype information (Rieder_2023). These report(s) do not provide unequivocal conclusions about association of the variant with Cerebral Arteriopathy, Autosomal Recessive, With Subcortical Infarcts And Leukoencephalopathy 1. To our knowledge, no experimental evidence demonstrating an impact on protein function has been reported. The following publications have been ascertained in the context of this evaluation (PMID: 36535904, 33161844, 37834922). ClinVar contains an entry for this variant (Variation ID: 1807357). Based on the evidence outlined above, the variant was classified as uncertain significance.

Athena Diagnostics
Classification: Pathogenic. Last evaluated: 2021-08-31. Review status: criteria provided, single submitter. Criteria: Athena Diagnostics Criteria. Collection method: clinical testing. Allele origin: unknown.
Comment: This variant has not been reported in large, multi-ethnic general populations. This variant has been identified in at least one individual with clinical features associated with this gene. This variant alters a critical location within the protein, and is expected to severely affect function and cause disease. Greater than 90% of pathogenic variants identified in NOTCH3 involve the gain or loss of a cysteine residue within the epidermal growth factor (EGF)-like repeat domain.

Literature cited by the submitters: PubMed 36535904 (cited by Women's Health and Genetics/Laboratory Corporation of America, LabCorp); PubMed 33161844 (cited by Women's Health and Genetics/Laboratory Corporation of America, LabCorp); PubMed 37834922 (cited by Women's Health and Genetics/Laboratory Corporation of America, LabCorp).